The following is an entry in ClinVar:

ClinVar aggregate classification (germline): Uncertain significance (1 of 4 stars; one submission).

Allele frequency attached by ClinVar (database versions not stated): gnomAD exomes 0.00001.
gnomAD v4.1: 8 of 1,537,550 alleles (0.00052%); highest among the groups gnomAD compares: Non-Finnish European, 0.0007%; no homozygotes.

Submission:

GeneDx
Classification: Uncertain significance. Last evaluated: 2022-08-08. Review status: criteria provided, single submitter. Criteria: GeneDx Variant Classification Process June 2021. Collection method: clinical testing. Allele origin: germline. Affected: yes.
Comment: Not observed at significant frequency in large population cohorts (gnomAD); In silico analysis supports that this missense variant does not alter protein structure/function; Has not been previously published as pathogenic or benign to our knowledge

NM_001378183.1(PIEZO2):c.3824C>T (p.Ala1275Val)

Gene: PIEZO2 (piezo type mechanosensitive ion channel component 2; minus strand). Cytogenetic location: 18p11.22.
Variant type: single nucleotide variant.
Coding change: c.3824C>T on transcript NM_001378183.1 (MANE Select); coding-DNA position 3824, C replaced by T.
Protein change: p.Ala1275Val; replaces alanine 1275 with valine.
Molecular consequence: missense variant.
Genome position (GRCh38, 1-based): chr18:10,758,068, G>A on the plus strand (C>T on the coding strand, the complement: PIEZO2 is on the minus strand). VCF-style: chr18-10758068-G-A. GRCh37 (hg19) VCF-style: chr18-10758066-G-A.
Other names: c.3824C>T, p.Ala1275Val (NM_001410871.1); c.3749C>T, p.Ala1250Val (NM_022068.4); short protein forms A1250V, A1275V.
Identifiers: ClinVar variation 2429714 (VCV002429714.1), dbSNP rs2510637948, ClinGen allele CA401921165.
Genomic context (GRCh38, chr18:10,758,068, plus strand): 5'-AAGGAGGCCGCATCAAGGTTCATGCAGATCTCGACATTGTCACCTGCCATGATTCGCACT[G>A]CAGCCTTGTTCTCATCCTCAAAAATCTGCCGTTGTAAGGAGGCACACAGAAGCAGCATGA-3'
Protein context (NP_001365112.1, residues 1265-1285): RQIFEDENKA[Ala1275Val]VRIMAGDNVE